The following is an entry in ClinVar:

NM_003587.5(DHX16):c.1583A>G (p.His528Arg)

Gene: DHX16 (DEAH-box helicase 16; minus strand). Cytogenetic location: 6p21.33.
Variant type: single nucleotide variant.
Coding change: c.1583A>G on transcript NM_003587.5 (MANE Select); coding-DNA position 1583, A replaced by G.
Protein change: p.His528Arg; replaces histidine 528 with arginine.
Molecular consequence: missense variant.
Genome position (GRCh38, 1-based): chr6:30,660,204, T>C on the plus strand (A>G on the coding strand, the complement: DHX16 is on the minus strand). VCF-style: chr6-30660204-T-C. GRCh37 (hg19) VCF-style: chr6-30627981-T-C.
Other names: c.1403A>G, p.His468Arg (NM_001164239.2); c.140A>G, p.His47Arg (NM_001363515.2); short protein forms H468R, H47R, H528R.
Identifiers: ClinVar variation 3764122 (VCV003764122.1).

ClinVar aggregate classification (germline): Uncertain significance (1 of 4 stars; one submission).

Submission:

GeneDx
Classification: Uncertain significance. Last evaluated: 2024-08-22. Review status: criteria provided, single submitter. Criteria: GeneDx Variant Classification Process June 2021. Collection method: clinical testing. Allele origin: germline. Affected: yes.
Comment: Not observed at significant frequency in large population cohorts (gnomAD); In silico analysis supports that this missense variant has a deleterious effect on protein structure/function; Has not been previously published as pathogenic or benign to our knowledge